The following is an entry in ClinVar:

ClinVar aggregate classification (germline): Pathogenic/Likely pathogenic. Review status: criteria provided, multiple submitters, no conflicts (2 of 4 stars). 2 submissions from 2 submitters: Pathogenic (1); Likely pathogenic (1). Last evaluated 2023-07-03.

Conditions:
Neuromuscular disease caused by qualitative or quantitative defects of dysferlin. Also called: Qualitative or quantitative defects of dysferlin; Dysferlinopathy. Identifiers: Orphanet 207073, MedGen C2931687, MONDO:0016145.

Allele frequency attached by ClinVar (database versions not stated): TOPMed below 0.00001; gnomAD 0.00001; gnomAD exomes 0.00001 and 0.00002; ExAC 0.00003.
gnomAD v4.1: 5 of 1,613,992 alleles (0.00031%); highest among the groups gnomAD compares: Non-Finnish European, 0.00042%; no homozygotes.

Submissions (2):

Labcorp Genetics (formerly Invitae), Labcorp
Classification: Likely pathogenic for Neuromuscular disease caused by qualitative or quantitative defects of dysferlin. Last evaluated: 2023-07-03. Review status: criteria provided, single submitter. Criteria: Invitae Variant Classification Sherloc (09022015). Collection method: clinical testing. Allele origin: germline.
Comment: In summary, the currently available evidence indicates that the variant is pathogenic, but additional data are needed to prove that conclusively. Therefore, this variant has been classified as Likely Pathogenic. Algorithms developed to predict the effect of sequence changes on RNA splicing suggest that this variant may disrupt the consensus splice site. ClinVar contains an entry for this variant (Variation ID: 282513). Disruption of this splice site has been observed in individual(s) with autosomal recessive limb-girdle muscular dystrophy (PMID: 23243261). This variant is present in population databases (rs777216777, gnomAD 0.004%). This sequence change affects a donor splice site in intron 43 of the DYSF gene. It is expected to disrupt RNA splicing. Variants that disrupt the donor or acceptor splice site typically lead to a loss of protein function (PMID: 16199547), and loss-of-function variants in DYSF are known to be pathogenic (PMID: 17698709, 20301480).

Eurofins Ntd Llc (ga)
Classification: Pathogenic. Last evaluated: 2015-09-01. Review status: criteria provided, single submitter. Criteria: EGL Classification Definitions 2015. Collection method: clinical testing. Allele origin: germline. Observed: 1 variant allele, 1 heterozygote.

Literature cited by the submitters: PubMed 23243261 (cited by Labcorp Genetics (formerly Invitae), Labcorp); PubMed 16199547 (cited by Labcorp Genetics (formerly Invitae), Labcorp); PubMed 17698709 (cited by Labcorp Genetics (formerly Invitae), Labcorp); PubMed 20301480 (cited by Labcorp Genetics (formerly Invitae), Labcorp).

NM_001130987.2(DYSF):c.4911+1G>T

Gene: DYSF (dysferlin; plus strand). Cytogenetic location: 2p13.2.
Variant type: single nucleotide variant.
Coding change: c.4911+1G>T on transcript NM_001130987.2 (MANE Select); the canonical splice donor site of the intron after coding-DNA position 4911, G replaced by T.
Molecular consequence: splice donor variant.
Genome position (GRCh38, 1-based): chr2:71,659,034, G>T. VCF-style: chr2-71659034-G-T. GRCh37 (hg19) VCF-style: chr2-71886164-G-T.
Other names: c.4752+1G>T (NM_001130976.2); c.4890+1G>T (NM_001130982.2); c.4848+1G>T (NM_001130985.2); c.4860+1G>T (NM_001130983.2); c.4797+1G>T (NM_001130455.2); c.4818+1G>T (NM_001130984.2); c.4755+1G>T (NM_001130986.2); c.4887+1G>T (NM_001130979.2); and 5 more.
Identifiers: ClinVar variation 282513 (VCV000282513.14), dbSNP rs777216777, ClinGen allele CA1707169.
Genomic context (GRCh38, chr2:71,659,034, plus strand): 5'-TTGGTCCGTATCTACATTGTCCGAGCATTTGGCCTGCAGCCCAAGGACCCCAATGGAAAG[G>T]TAACTTTCCTAGAGCCCTCACCTCCCCCAGAGTAGCAGGCTCAGGTACAAGTGGCCTATA-3'